The following is an entry in ClinVar:

ClinVar aggregate classification (germline): other (0 of 4 stars; one submission).

Conditions:
Familial colorectal cancer. Identifiers: MedGen CN280943, MONDO:0023113. Disease mechanism: loss of function.

Submission:

Systems Biology Platform Zhejiang California International NanoSystems Institute
Classification: other for Familial colorectal cancer. Review status: no assertion criteria provided. Collection method: not provided. Allele origin: unknown.
ClinVar note: Converted during submission from cancer to other.

NC_000005.10:g.112851100G>C

Variant type: single nucleotide variant.
Genome position: GRCh38 VCF-style: chr5-112851100-G-C. GRCh37 (hg19) VCF-style: chr5-112186797-G-C.
Identifiers: ClinVar variation 82692 (VCV000082692.3), dbSNP rs80162849, ClinGen allele CA250832.